The following is an entry in ClinVar:

NM_020937.4(FANCM):c.4516C>G (p.His1506Asp)

Gene: FANCM (FA complementation group M; plus strand). Cytogenetic location: 14q21.2.
Variant type: single nucleotide variant.
Coding change: c.4516C>G on transcript NM_020937.4 (MANE Select); coding-DNA position 4516, C replaced by G.
Protein change: p.His1506Asp; replaces histidine 1506 with aspartic acid.
Molecular consequence: missense variant.
Genome position (GRCh38, 1-based): chr14:45,185,217, C>G. VCF-style: chr14-45185217-C-G. GRCh37 (hg19) VCF-style: chr14-45654420-C-G.
Other names: c.4438C>G, p.His1480Asp (NM_001308133.2); short protein forms H1506D, H1480D.
Identifiers: ClinVar variation 4022687 (VCV004022687.1).

ClinVar aggregate classification (germline): Uncertain significance (1 of 4 stars; one submission).

Conditions:
Inborn genetic diseases. Identifiers: MedGen C0950123, MeSH D030342.

gnomAD v4.1: 14 of 1,574,094 alleles (0.00089%); highest among the groups gnomAD compares: Non-Finnish European, 0.0011%; no homozygotes.

Submission:

Ambry Genetics
Classification: Uncertain significance for Inborn genetic diseases. Last evaluated: 2025-04-12. Review status: criteria provided, single submitter. Criteria: Ambry Variant Classification Scheme 2023. Collection method: clinical testing. Allele origin: germline.
Comment: The p.H1506D variant (also known as c.4516C>G) is located in coding exon 18 of the FANCM gene. The histidine at codon 1506 is replaced by aspartic acid, an amino acid with similar properties. This change occurs in the first base pair of coding exon 18. This amino acid position is conserved. In addition, this alteration is predicted to be tolerated by in silico analysis. Based on the available evidence, the clinical significance of this variant remains unclear.